The following is an entry in ClinVar:

NM_002618.4(PEX13):c.322C>T (p.Leu108Phe)

Gene: PEX13 (peroxisomal biogenesis factor 13; plus strand). Cytogenetic location: 2p15.
Variant type: single nucleotide variant.
Coding change: c.322C>T on transcript NM_002618.4 (MANE Select); coding-DNA position 322, C replaced by T.
Protein change: p.Leu108Phe; replaces leucine 108 with phenylalanine.
Molecular consequence: missense variant.
Genome position (GRCh38, 1-based): chr2:61,031,648, C>T. VCF-style: chr2-61031648-C-T. GRCh37 (hg19) VCF-style: chr2-61258783-C-T.
Other names: c.322C>T (NM_002618.3); short protein forms L108F.
Identifiers: ClinVar variation 1474496 (VCV001474496.4), dbSNP rs138030119, ClinGen allele CA1673277.

ClinVar aggregate classification (germline): Uncertain significance. Review status: criteria provided, multiple submitters, no conflicts (2 of 4 stars). 2 submissions from 2 submitters: Uncertain significance (2). Last evaluated 2025-04-25.

Conditions:
Inborn genetic diseases. Identifiers: MedGen C0950123, MeSH D030342.
Peroxisome biogenesis disorder 11A (Zellweger). Also called: Peroxisome biogenesis disorder 11A. Identifiers: Orphanet 912, MedGen C3554000, MONDO:0013949, OMIM 614883.

Allele frequency attached by ClinVar (database versions not stated): gnomAD exomes below 0.00001 and 0.00001; TOPMed 0.00001; ESP Exome Variant Server 0.00008; ExAC 0.00001; gnomAD 0.00001; 1000 Genomes Project 0.00020; 1000 Genomes Project 30x 0.00031.
gnomAD v4.1: 5 of 1,614,132 alleles (0.00031%); highest among the groups gnomAD compares: East Asian, 0.0045%; no homozygotes.

Submissions (2):

Ambry Genetics
Classification: Uncertain significance for Inborn genetic diseases. Last evaluated: 2025-04-25. Review status: criteria provided, single submitter. Criteria: Ambry Variant Classification Scheme 2023. Collection method: clinical testing. Allele origin: germline.

Labcorp Genetics (formerly Invitae), Labcorp
Classification: Uncertain significance for Peroxisome biogenesis disorder 11A (Zellweger). Last evaluated: 2021-10-06. Review status: criteria provided, single submitter. Criteria: Invitae Variant Classification Sherloc (09022015). Collection method: clinical testing. Allele origin: germline.
Comment: This sequence change replaces leucine with phenylalanine at codon 108 of the PEX13 protein (p.Leu108Phe). The leucine residue is weakly conserved and there is a small physicochemical difference between leucine and phenylalanine. This variant is present in population databases (rs138030119, ExAC 0.01%). This variant has not been reported in the literature in individuals affected with PEX13-related conditions. Algorithms developed to predict the effect of missense changes on protein structure and function output the following: SIFT: "Tolerated"; PolyPhen-2: "Benign"; Align-GVGD: "Class C0". The phenylalanine amino acid residue is found in multiple mammalian species, which suggests that this missense change does not adversely affect protein function. In summary, the available evidence is currently insufficient to determine the role of this variant in disease. Therefore, it has been classified as a Variant of Uncertain Significance.